The following is an entry in ClinVar:

NM_182931.3(KMT2E):c.187-3C>G

Gene: KMT2E (lysine methyltransferase 2E (inactive); plus strand). Cytogenetic location: 7q22.3.
Variant type: single nucleotide variant.
Coding change: c.187-3C>G on transcript NM_182931.3 (MANE Select); 3 bases into the intron before coding-DNA position 187, C replaced by G.
Molecular consequence: intron variant.
Genome position (GRCh38, 1-based): chr7:105,063,348, C>G. VCF-style: chr7-105063348-C-G. GRCh37 (hg19) VCF-style: chr7-104703795-C-G.
Other names: NC_000007.13:g.104703795C>G; c.187-3C>G (NM_018682.4).
Identifiers: ClinVar variation 1312251 (VCV001312251.3), dbSNP rs1299577458, ClinGen allele CA2573052779.

ClinVar aggregate classification (germline): Uncertain significance (1 of 4 stars; one submission).

Submissions (2):

GeneDx
Classification: Uncertain significance. Last evaluated: 2019-09-22. Review status: criteria provided, single submitter. Criteria: GeneDx Variant Classification Process June 2021. Collection method: clinical testing. Allele origin: germline. Affected: yes.
Comment: Not observed in large population cohorts (Lek et al., 2016); In silico analysis, which includes splice predictors and evolutionary conservation, supports a deleterious effect; Has not been previously published as pathogenic or benign to our knowledge

Dr. Peter K. Rogan Lab, Western University
No classification provided (evidence only). Condition: Malignant tumor of urinary bladder. Review status: no classification provided. Collection method: in vitro. Allele origin: not applicable. Functional consequence: skipped exon, retained intron. Not counted in ClinVar's aggregate classification.